The following is an entry in ClinVar:

NM_001626.6(AKT2):c.1438C>T (p.Arg480Cys)

Gene: AKT2 (AKT serine/threonine kinase 2; minus strand). Cytogenetic location: 19q13.2.
Variant type: single nucleotide variant.
Coding change: c.1438C>T on transcript NM_001626.6 (MANE Select); coding-DNA position 1438, C replaced by T.
Protein change: p.Arg480Cys; replaces arginine 480 with cysteine.
Molecular consequence: missense variant.
Genome position (GRCh38, 1-based): chr19:40,233,880, G>A on the plus strand (C>T on the coding strand, the complement: AKT2 is on the minus strand). VCF-style: chr19-40233880-G-A. GRCh37 (hg19) VCF-style: chr19-40739787-G-A.
Other names: c.1252C>T, p.Arg418Cys (NM_001243027.3, NM_001243028.3); c.1309C>T, p.Arg437Cys (NM_001330511.1); short protein forms R418C, R437C, R480C.
Identifiers: ClinVar variation 4819550 (VCV004819550.1).

ClinVar aggregate classification (germline): Likely benign (1 of 4 stars; one submission).

Conditions:
Hypoinsulinemic hypoglycemia and body hemihypertrophy. Also called: Hypoinsulinemic hypoglycemia and hemihypertrophy. Identifiers: Orphanet 293964, MedGen C3278384, MONDO:0009416, OMIM 240900.

gnomAD v4.1: 26 of 1,611,442 alleles (0.0016%); highest among the groups gnomAD compares: Middle Eastern, 0.016%; no homozygotes.

Submission:

Centre for Medical Genetics,  Mumbai
Classification: Likely benign for Hypoinsulinemic hypoglycemia and body hemihypertrophy. Last evaluated: 2026-03-15. Review status: criteria provided, single submitter. Criteria: ACMG Guidelines, 2015. Collection method: provider interpretation. Allele origin: germline. Inheritance: Autosomal dominant inheritance. Affected: no. Observed: 1 variant allele, 1 heterozygote.
Comment: The variant satisfies PM2 criteria; Extremely low frequency in gnomAD population databases. However, the variant satisfies BS2 criteria.

Literature cited by the submitters: PubMed 21979934.